The following is an entry in ClinVar:

ClinVar aggregate classification (germline): Likely benign. Review status: criteria provided, multiple submitters, no conflicts (2 of 4 stars). 3 submissions from 3 submitters: Likely benign (3). Last evaluated 2026-08-01.

Conditions:
Hereditary spherocytosis type 1. Also called: Spherocytosis type 1; ANK1-Related Spherocytosis. Identifiers: Orphanet 822, MedGen C2674218, MONDO:0008447, OMIM 182900.

Allele frequency attached by ClinVar (database versions not stated): gnomAD below 0.00001 and 0.00001; gnomAD exomes 0.00004 and 0.00007; TOPMed 0.00004; ESP Exome Variant Server 0.00008; ExAC 0.00010.
gnomAD v4.1: 55 of 1,613,946 alleles (0.0034%); highest among the groups gnomAD compares: South Asian, 0.054%; no homozygotes.

Submissions (3):

CeGaT Center for Human Genetics Tuebingen
Classification: Likely benign. Last evaluated: 2026-08-01. Review status: criteria provided, single submitter. Criteria: CeGaT Center For Human Genetics Tuebingen Variant Classification Criteria Version 2. Collection method: clinical testing. Allele origin: germline. Affected: yes. Observed: 1 variant allele.
Comment: ANK1: BP4, BP7

ARUP Laboratories, Molecular Genetics and Genomics, ARUP Laboratories
Classification: Likely benign for Hereditary spherocytosis type 1. Last evaluated: 2024-07-29. Review status: criteria provided, single submitter. Criteria: ARUP Molecular Germline Variant Investigation Process 2024. Collection method: clinical testing. Allele origin: germline.

Labcorp Genetics (formerly Invitae), Labcorp
Classification: Likely benign. Last evaluated: 2018-06-25. Review status: criteria provided, single submitter. Criteria: Invitae Variant Classification Sherloc (09022015). Collection method: clinical testing. Allele origin: germline.

NM_000037.4(ANK1):c.3468C>T (p.Thr1156=)

Gene: ANK1 (ankyrin 1; minus strand). Cytogenetic location: 8p11.21.
Variant type: single nucleotide variant.
Coding change: c.3468C>T on transcript NM_000037.4 (MANE Select); coding-DNA position 3468, C replaced by T.
Protein change: p.Thr1156=; no amino-acid change (threonine 1156 retained).
Molecular consequence: synonymous variant.
Genome position (GRCh38, 1-based): chr8:41,693,962, G>A on the plus strand (C>T on the coding strand, the complement: ANK1 is on the minus strand). VCF-style: chr8-41693962-G-A. GRCh37 (hg19) VCF-style: chr8-41551480-G-A.
Other names: c.3591C>T, p.Thr1197= (NM_001142446.2); c.3468C>T, p.Thr1156= (NM_020475.3, NM_020476.3, NM_020477.3).
Identifiers: ClinVar variation 750154 (VCV000750154.5), dbSNP rs372816206, ClinGen allele CA4727875.